The following is an entry in ClinVar:

ClinVar aggregate classification (germline): Benign (1 of 4 stars; one submission).

Allele frequency attached by ClinVar (database versions not stated): gnomAD 0.00475; ESP Exome Variant Server 0.00485; 1000 Genomes Project 0.00539; TOPMed 0.00469.
gnomAD v4.1: 1,520 of 1,564,692 alleles (0.097%); highest among the groups gnomAD compares: African/African-American, 1.5%; 9 homozygotes.

Submission:

GeneDx
Classification: Benign. Last evaluated: 2014-08-06. Review status: criteria provided, single submitter. Criteria: GeneDx Variant Classification (06012015). Collection method: clinical testing. Allele origin: germline. Affected: yes.
Comment: This variant is considered likely benign or benign based on one or more of the following criteria: it is a conservative change, it occurs at a poorly conserved position in the protein, it is predicted to be benign by multiple in silico algorithms, and/or has population frequency not consistent with disease.

NM_144736.5(NDUFAF7):c.681+14A>T

Gene: NDUFAF7 (NADH:ubiquinone oxidoreductase complex assembly factor 7; plus strand). Cytogenetic location: 2p22.2.
Variant type: single nucleotide variant.
Coding change: c.681+14A>T on transcript NM_144736.5 (MANE Select); 14 bases into the intron after coding-DNA position 681, A replaced by T.
Molecular consequence: intron variant.
Genome position (GRCh38, 1-based): chr2:37,242,707, A>T. VCF-style: chr2-37242707-A-T. GRCh37 (hg19) VCF-style: chr2-37469850-A-T.
Other names: c.681+14A>T (NM_001350024.2); c.468+1070A>T (NM_001350027.2); c.600+14A>T (NM_001350025.2); c.387+1070A>T (NM_001083946.2).
Identifiers: ClinVar variation 214754 (VCV000214754.1), dbSNP rs142499241, ClinGen allele CA321261.